The following is an entry in ClinVar:

NM_030665.4(RAI1):c.3138G>T (p.Arg1046=)

Gene: RAI1 (retinoic acid induced 1; plus strand). Cytogenetic location: 17p11.2.
Variant type: single nucleotide variant.
Coding change: c.3138G>T on transcript NM_030665.4 (MANE Select); coding-DNA position 3138, G replaced by T.
Protein change: p.Arg1046=; no amino-acid change (arginine 1046 retained).
Molecular consequence: synonymous variant.
Genome position (GRCh38, 1-based): chr17:17,796,086, G>T. VCF-style: chr17-17796086-G-T. GRCh37 (hg19) VCF-style: chr17-17699400-G-T.
Other names: c.3138G>T (NM_030665.3).
Identifiers: ClinVar variation 2878032 (VCV002878032.4), dbSNP rs376784008, ClinGen allele CA8418674.

ClinVar aggregate classification (germline): Likely benign. Review status: criteria provided, multiple submitters, no conflicts (2 of 4 stars). 2 submissions from 2 submitters: Likely benign (2). Last evaluated 2025-09-30.

Conditions:
RAI1-related disorder. Also called: RAI1-related condition.

Allele frequency attached by ClinVar (database versions not stated): gnomAD exomes below 0.00001; gnomAD 0.00001; ESP Exome Variant Server 0.00008.

Submissions (2):

PreventionGenetics, part of Exact Sciences
Classification: Likely benign for RAI1-related condition. Last evaluated: 2025-09-30. Review status: criteria provided, single submitter. Criteria: ACMG Guidelines, 2015. Collection method: clinical testing. Allele origin: germline.
Comment: This variant is classified as likely benign based on ACMG/AMP sequence variant interpretation guidelines (Richards et al. 2015 PMID: 25741868, with internal and published modifications).

Labcorp Genetics (formerly Invitae), Labcorp
Classification: Likely benign. Last evaluated: 2023-08-16. Review status: criteria provided, single submitter. Criteria: Invitae Variant Classification Sherloc (09022015). Collection method: clinical testing. Allele origin: germline.